The following is an entry in ClinVar:

ClinVar aggregate classification (germline): Uncertain significance (1 of 4 stars; one submission).

Conditions:
Inborn genetic diseases. Identifiers: MedGen C0950123, MeSH D030342.

Submission:

Ambry Genetics
Classification: Uncertain significance for Inborn genetic diseases. Last evaluated: 2023-04-22. Review status: criteria provided, single submitter. Criteria: Ambry Variant Classification Scheme 2023. Collection method: clinical testing. Allele origin: germline.
Comment: The p.E395K variant (also known as c.1183G>A), located in coding exon 9 of the EPAS1 gene, results from a G to A substitution at nucleotide position 1183. The glutamic acid at codon 395 is replaced by lysine, an amino acid with similar properties. This amino acid position is conserved. In addition, this alteration is predicted to be tolerated by in silico analysis. Since supporting evidence is limited at this time, the clinical significance of this alteration remains unclear.

NM_001430.5(EPAS1):c.1183G>A (p.Glu395Lys)

Gene: EPAS1 (endothelial PAS domain protein 1; plus strand). Cytogenetic location: 2p21.
Variant type: single nucleotide variant.
Coding change: c.1183G>A on transcript NM_001430.5 (MANE Select); coding-DNA position 1183, G replaced by A.
Protein change: p.Glu395Lys; replaces glutamic acid 395 with lysine.
Molecular consequence: missense variant.
Genome position (GRCh38, 1-based): chr2:46,376,687, G>A. VCF-style: chr2-46376687-G-A. GRCh37 (hg19) VCF-style: chr2-46603826-G-A.
Other names: short protein forms E395K.
Identifiers: ClinVar variation 2562018 (VCV002562018.2), dbSNP rs2546471611, ClinGen allele CA346703364.